The following is an entry in ClinVar:

ClinVar aggregate classification (germline): Uncertain significance (1 of 4 stars; one submission).

gnomAD v4.1: 5 of 1,614,012 alleles (0.00031%); highest among the groups gnomAD compares: Admixed American, 0.0017%; no homozygotes.

Submission:

Ambry Genetics
Classification: Uncertain significance. Last evaluated: 2025-07-21. Review status: criteria provided, single submitter. Criteria: Ambry Variant Classification Scheme 2023. Collection method: clinical testing. Allele origin: germline.
Comment: The p.D539G variant (also known as c.1616A>G), located in coding exon 13 of the IKBKAP gene, results from an A to G substitution at nucleotide position 1616. The aspartic acid at codon 539 is replaced by glycine, an amino acid with similar properties. This amino acid position is conserved. In addition, this alteration is predicted to be tolerated by in silico analysis. Based on the available evidence, the clinical significance of this variant remains unclear.

NM_003640.5(ELP1):c.1616A>G (p.Asp539Gly)

Gene: ELP1 (elongator acetyltransferase complex subunit 1; minus strand). Cytogenetic location: 9q31.3.
Variant type: single nucleotide variant.
Coding change: c.1616A>G on transcript NM_003640.5 (MANE Select); coding-DNA position 1616, A replaced by G.
Protein change: p.Asp539Gly; replaces aspartic acid 539 with glycine.
Molecular consequence: missense variant.
Genome position (GRCh38, 1-based): chr9:108,906,330, T>C on the plus strand (A>G on the coding strand, the complement: ELP1 is on the minus strand). VCF-style: chr9-108906330-T-C. GRCh37 (hg19) VCF-style: chr9-111668610-T-C.
Other names: c.1274A>G, p.Asp425Gly (NM_001318360.2); c.569A>G, p.Asp190Gly (NM_001330749.2); short protein forms D190G, D539G, D425G.
Identifiers: ClinVar variation 4248485 (VCV004248485.1).
Genomic context (GRCh38, chr9:108,906,330, plus strand): 5'-TAACATGTGGAGTACAGGGAAAAACTGCAATACCTGACATTGAGCTGTCCATGCTCTTCA[T>C]CCATCTCAGAAGAAGCTGCAGTCAAATGGTGAATGACAGACCGGGGGCTGAACTCACTGT-3'
Protein context (NP_003631.2, residues 529-549): HHLTAASSEM[Asp539Gly]EEHGQLNVSS